The following is an entry in ClinVar:

NM_014244.5(ADAMTS2):c.1629+1008G>A

Gene: ADAMTS2 (ADAM metallopeptidase with thrombospondin type 1 motif 2; minus strand). Cytogenetic location: 5q35.3.
Variant type: single nucleotide variant.
Coding change: c.1629+1008G>A on transcript NM_014244.5 (MANE Select); 1008 bases into the intron after coding-DNA position 1629, G replaced by A.
Molecular consequence: intron variant. On other transcripts: missense variant (1).
Genome position (GRCh38, 1-based): chr5:179,151,134, C>T on the plus strand (G>A on the coding strand, the complement: ADAMTS2 is on the minus strand). VCF-style: chr5-179151134-C-T. GRCh37 (hg19) VCF-style: chr5-178578135-C-T.
Other names: c.1696G>A, p.Ala566Thr (NM_021599.4); c.1696G>A (NM_021599.3); short protein forms A566T.
Identifiers: ClinVar variation 1212924 (VCV001212924.7), dbSNP rs139658049, ClinGen allele CA3595834.
Genomic context (GRCh38, chr5:179,151,134, plus strand): 5'-TTTAGTAGAGACGGGATTTTGCCATGTTAACCAGACTTGTCTTGAACTTCTGACCTCAGG[C>T]GATCCACCTACCTTGGCCTCCCAAAGTGCTGGGATAACAGGCATGAGCCACCGCGCCCGG-3'

ClinVar aggregate classification (germline): Likely benign. Review status: criteria provided, multiple submitters, no conflicts (2 of 4 stars). 4 submissions from 4 submitters: Likely benign (3). 1 of the submissions does not count toward it. Last evaluated 2024-11-13.

Conditions:
ADAMTS2-related disorder. Also called: ADAMTS2-related condition.

Allele frequency attached by ClinVar (database versions not stated): gnomAD 0.00248 and 0.00356; TOPMed 0.00270; gnomAD exomes 0.00526 and 0.00573; 1000 Genomes Project 30x 0.00796; 1000 Genomes Project 0.00799; ExAC 0.02398.
gnomAD v4.1: 1,841 of 380,492 alleles (0.48%); highest among the groups gnomAD compares: South Asian, 2.1%; 22 homozygotes.

Submissions (4):

Blueprint Genetics
Classification: Likely benign. Last evaluated: 2024-11-13. Review status: criteria provided, single submitter. Criteria: ACMG Guidelines, 2015. Collection method: clinical testing. Allele origin: germline.

GeneDx
Classification: Likely benign. Last evaluated: 2018-06-28. Review status: criteria provided, single submitter. Criteria: GeneDx Variant Classification Process June 2021. Collection method: clinical testing. Allele origin: germline. Affected: yes.

Breakthrough Genomics
Classification: Likely benign. Review status: criteria provided, single submitter. Criteria: ACMG Guidelines, 2015. Collection method: not provided. Allele origin: germline. Inheritance: Autosomal recessive inheritance. Affected: yes.

PreventionGenetics, part of Exact Sciences
Classification: Benign for ADAMTS2-related condition. Last evaluated: 2019-07-10. Review status: no assertion criteria provided. Collection method: clinical testing. Allele origin: germline. Not counted in ClinVar's aggregate classification.
Comment: This variant is classified as benign based on ACMG/AMP sequence variant interpretation guidelines (Richards et al. 2015 PMID: 25741868, with internal and published modifications).